The following is an entry in ClinVar:

NM_000530.8(MPZ):c.369C>T (p.Gly123=)

Gene: MPZ (myelin protein zero; minus strand). Cytogenetic location: 1q23.3.
Variant type: single nucleotide variant.
Coding change: c.369C>T on transcript NM_000530.8 (MANE Select); coding-DNA position 369, C replaced by T.
Protein change: p.Gly123=; no amino-acid change (glycine 123 retained).
Molecular consequence: synonymous variant.
Genome position (GRCh38, 1-based): chr1:161,306,787, G>A on the plus strand (C>T on the coding strand, the complement: MPZ is on the minus strand). VCF-style: chr1-161306787-G-A. GRCh37 (hg19) VCF-style: chr1-161276577-G-A.
Other names: p.Gly123=; c.369C>T, p.Gly123= (NM_001315491.2).
Identifiers: ClinVar variation 2770145 (VCV002770145.6), dbSNP rs2526238193, ClinGen allele CA421405134.
Genomic context (GRCh38, chr1:161,306,787, plus strand): 5'-CGTGACCTGAGAGGTCTTGCCCACTATGTCTGGAGGGTTTTTGACGTCACAAGTGAACGT[G>A]CCATTGTCACTGTAGTCTAGGTTGTGTATGACAATGGAGCCATCCTTCCAGCGAGGGTCC-3'
Protein context (NP_000521.2, residues 113-133): VIHNLDYSDN[Gly123=]TFTCDVKNPP

ClinVar aggregate classification (germline): Uncertain significance. Review status: criteria provided, multiple submitters, no conflicts (2 of 4 stars). 3 submissions from 3 submitters: Uncertain significance (3). Last evaluated 2024-07-03.

Conditions:
Neuropathy, congenital hypomyelinating, 2. Identifiers: MedGen C4722277, MONDO:0020765, OMIM 618184.
Charcot-Marie-Tooth disease type 2I (CMT2I). Also called: CHARCOT-MARIE-TOOTH DISEASE, AXONAL, TYPE 2I. Identifiers: Orphanet 99942, MedGen C3888087, MONDO:0011889, OMIM 607677.
Charcot-Marie-Tooth disease, type I (CMT1). Also called: Charcot-Marie-Tooth, Type 1; Charcot-Marie-Tooth disease type 1. Identifiers: Orphanet 65753, MedGen C0751036, MONDO:0019011.

Submissions (3):

Undiagnosed Diseases Network, NIH
Classification: Uncertain significance for Neuropathy, congenital hypomyelinating, 2. Last evaluated: 2024-07-03. Review status: criteria provided, single submitter. Criteria: ACMG Guidelines, 2015. Collection method: clinical testing. Allele origin: de novo. Affected: yes. Observed: 1 heterozygote. Study: Undiagnosed Diseases Network (NIH), UDN.

Baylor Genetics
Classification: Uncertain significance for Charcot-Marie-Tooth disease type 2I. Last evaluated: 2023-11-30. Review status: criteria provided, single submitter. Criteria: ACMG Guidelines, 2015. Collection method: clinical testing. Allele origin: unknown.

Labcorp Genetics (formerly Invitae), Labcorp
Classification: Uncertain significance for Charcot-Marie-Tooth disease, type I. Last evaluated: 2023-10-19. Review status: criteria provided, single submitter. Criteria: Invitae Variant Classification Sherloc (09022015). Collection method: clinical testing. Allele origin: germline.
Comment: This sequence change affects codon 123 of the MPZ mRNA. It is a 'silent' change, meaning that it does not change the encoded amino acid sequence of the MPZ protein. This variant is not present in population databases (gnomAD no frequency). This variant has not been reported in the literature in individuals affected with MPZ-related conditions. Algorithms developed to predict the effect of sequence changes on RNA splicing suggest that this variant may disrupt the consensus splice site. In summary, the available evidence is currently insufficient to determine the role of this variant in disease. Therefore, it has been classified as a Variant of Uncertain Significance.